The following is an entry in ClinVar:

ClinVar aggregate classification (germline): Uncertain significance (0 of 4 stars; one submission).

Submission:

Genetic Services Laboratory, University of Chicago
Classification: Uncertain significance. Last evaluated: 2022-08-22. Review status: no assertion criteria provided. Collection method: clinical testing. Allele origin: germline. Affected: no.
Comment: DNA sequence analysis of the RBBP6 gene demonstrated a sequence change, c.1211C>T, in exon 10 that results in an amino acid change, p.Ser404Phe. This sequence change does not appear to have been previously described in individuals with RBBP6-related disorders and has also not been described in population databases such as ExAC and gnomAD. The p.Ser404Phe change affects a highly conserved amino acid residue located in a domain of the RBBP6 protein that is not known to be functional. In-silico pathogenicity prediction tools (SIFT, PolyPhen2, Align GVGD, REVEL) provide contradictory results for the p.Ser404Phe substitution. Due to insufficient evidences and the lack of functional studies, the clinical significance of the p.Ser404Phe change remains unknown at this time.

NM_006910.5(RBBP6):c.1211C>T (p.Ser404Phe)

Gene: RBBP6 (RB binding protein 6, ubiquitin ligase; plus strand). Cytogenetic location: 16p12.1.
Variant type: single nucleotide variant.
Coding change: c.1211C>T on transcript NM_006910.5 (MANE Select); coding-DNA position 1211, C replaced by T.
Protein change: p.Ser404Phe; replaces serine 404 with phenylalanine.
Molecular consequence: missense variant.
Genome position (GRCh38, 1-based): chr16:24,562,083, C>T. VCF-style: chr16-24562083-C-T. GRCh37 (hg19) VCF-style: chr16-24573404-C-T.
Other names: c.1211C>T, p.Ser404Phe (NM_018703.4); short protein forms S404F.
Identifiers: ClinVar variation 2443237 (VCV002443237.2), dbSNP rs2544027154, ClinGen allele CA395159530.